The following is an entry in ClinVar:

ClinVar aggregate classification (germline): Uncertain significance (1 of 4 stars; one submission).

Conditions:
TRIOBP-related disorder. Also called: TRIOBP-related condition.

Submission:

PreventionGenetics, part of Exact Sciences
Classification: Uncertain significance for TRIOBP-related condition. Last evaluated: 2025-12-26. Review status: criteria provided, single submitter. Criteria: ACMG Guidelines, 2015. Collection method: clinical testing. Allele origin: germline.
Comment: The TRIOBP c.1780A>G variant is predicted to result in the amino acid substitution p.Thr594Ala. To our knowledge, this variant has not been reported in the literature and population database gnomAD, indicating that this variant is rare. At this time, the clinical significance of this variant is uncertain due to the absence of conclusive functional and genetic evidence.

NM_001039141.3(TRIOBP):c.1780A>G (p.Thr594Ala)

Gene: TRIOBP (TRIO and F-actin binding protein; plus strand). Cytogenetic location: 22q13.1.
Variant type: single nucleotide variant.
Coding change: c.1780A>G on transcript NM_001039141.3 (MANE Select); coding-DNA position 1780, A replaced by G.
Protein change: p.Thr594Ala; replaces threonine 594 with alanine.
Molecular consequence: missense variant.
Genome position (GRCh38, 1-based): chr22:37,724,336, A>G. VCF-style: chr22-37724336-A-G. GRCh37 (hg19) VCF-style: chr22-38120343-A-G.
Other names: short protein forms T594A.
Identifiers: ClinVar variation 4980400 (VCV004980400.1).